The following is an entry in ClinVar:

ClinVar aggregate classification (germline): Likely benign (0 of 4 stars; one submission).

Conditions:
IL4R-related disorder. Also called: IL4R-related condition.

Allele frequency attached by ClinVar (database versions not stated): gnomAD exomes 0.00018; ExAC 0.00033; 1000 Genomes Project 0.00040; 1000 Genomes Project 30x 0.00047; gnomAD 0.00080; ESP Exome Variant Server 0.00085; TOPMed 0.00089.
gnomAD v4.1: 403 of 1,614,128 alleles (0.025%); highest among the groups gnomAD compares: African/African-American, 0.24%; 4 homozygotes.

Submission:

PreventionGenetics, part of Exact Sciences
Classification: Likely benign for IL4R-related condition. Last evaluated: 2020-01-27. Review status: no assertion criteria provided. Collection method: clinical testing. Allele origin: germline.
Comment: This variant is classified as likely benign based on ACMG/AMP sequence variant interpretation guidelines (Richards et al. 2015 PMID: 25741868, with internal and published modifications).

NM_000418.4(IL4R):c.1701C>T (p.Pro567=)

Gene: IL4R (interleukin 4 receptor; plus strand). Cytogenetic location: 16p12.1.
Variant type: single nucleotide variant.
Coding change: c.1701C>T on transcript NM_000418.4 (MANE Select); coding-DNA position 1701, C replaced by T.
Protein change: p.Pro567=; no amino-acid change (proline 567 retained).
Molecular consequence: synonymous variant.
Genome position (GRCh38, 1-based): chr16:27,363,053, C>T. VCF-style: chr16-27363053-C-T. GRCh37 (hg19) VCF-style: chr16-27374374-C-T.
Other names: c.1701C>T, p.Pro567= (NM_001257406.2); c.1656C>T, p.Pro552= (NM_001257407.2); c.1221C>T, p.Pro407= (NM_001257997.2).
Identifiers: ClinVar variation 3052235 (VCV003052235.2), dbSNP rs149213624, ClinGen allele CA7974615.